The following is an entry in ClinVar:

ClinVar aggregate classification (germline): Uncertain significance (1 of 4 stars; one submission).

Submission:

Labcorp Genetics (formerly Invitae), Labcorp
Classification: Uncertain significance. Last evaluated: 2023-03-31. Review status: criteria provided, single submitter. Criteria: Invitae Variant Classification Sherloc (09022015). Collection method: clinical testing. Allele origin: germline.
Comment: This sequence change replaces phenylalanine, which is neutral and non-polar, with isoleucine, which is neutral and non-polar, at codon 1890 of the RAI1 protein (p.Phe1890Ile). This variant is not present in population databases (gnomAD no frequency). This variant has not been reported in the literature in individuals affected with RAI1-related conditions. Advanced modeling of protein sequence and biophysical properties (such as structural, functional, and spatial information, amino acid conservation, physicochemical variation, residue mobility, and thermodynamic stability) performed at Invitae indicates that this missense variant is not expected to disrupt RAI1 protein function. In summary, the available evidence is currently insufficient to determine the role of this variant in disease. Therefore, it has been classified as a Variant of Uncertain Significance.

NM_030665.4(RAI1):c.5668T>A (p.Phe1890Ile)

Gene: RAI1 (retinoic acid induced 1; plus strand). Cytogenetic location: 17p11.2.
Variant type: single nucleotide variant.
Coding change: c.5668T>A on transcript NM_030665.4 (MANE Select); coding-DNA position 5668, T replaced by A.
Protein change: p.Phe1890Ile; replaces phenylalanine 1890 with isoleucine.
Molecular consequence: missense variant.
Genome position (GRCh38, 1-based): chr17:17,809,398, T>A. VCF-style: chr17-17809398-T-A. GRCh37 (hg19) VCF-style: chr17-17712712-T-A.
Other names: short protein forms F1890I.
Identifiers: ClinVar variation 2851207 (VCV002851207.3), dbSNP rs2543660417, ClinGen allele CA398560224.